The following is an entry in ClinVar:

NM_007327.4(GRIN1):c.2381G>T (p.Arg794Leu)

Gene: GRIN1 (glutamate ionotropic receptor NMDA type subunit 1; plus strand). Cytogenetic location: 9q34.3.
Variant type: single nucleotide variant.
Coding change: c.2381G>T on transcript NM_007327.4 (MANE Select); coding-DNA position 2381, G replaced by T.
Protein change: p.Arg794Leu; replaces arginine 794 with leucine.
Molecular consequence: missense variant.
Genome position (GRCh38, 1-based): chr9:137,163,606, G>T. VCF-style: chr9-137163606-G-T. GRCh37 (hg19) VCF-style: chr9-140058058-G-T.
Other names: c.2381G>T, p.Arg794Leu (NM_000832.7, NM_021569.4); c.2444G>T, p.Arg815Leu (NM_001185090.2, NM_001185091.2); short protein forms R794L, R815L.
Identifiers: ClinVar variation 3775570 (VCV003775570.2).

ClinVar aggregate classification (germline): Conflicting classifications of pathogenicity. Review status: criteria provided, conflicting classifications (1 of 4 stars). 2 submissions from 2 submitters: Likely pathogenic (1); Uncertain significance (1). Last evaluated 2025-06-04.

Conditions:
Neurodevelopmental disorder with or without hyperkinetic movements and seizures, autosomal dominant. Also called: Intellectual disability, autosomal dominant 8. Identifiers: MedGen C3280282, MONDO:0013655, OMIM 614254.

Submissions (2):

Women's Health and Genetics/Laboratory Corporation of America, LabCorp
Classification: Likely pathogenic for Neurodevelopmental disorder with or without hyperkinetic movements and seizures, autosomal dominant. Last evaluated: 2025-06-04. Review status: criteria provided, single submitter. Criteria: LabCorp Variant Classification Summary - May 2015. Collection method: clinical testing. Allele origin: germline.
Comment: Variant summary: GRIN1 c.2381G>T (p.Arg794Leu) results in a non-conservative amino acid change in the encoded protein sequence. Algorithms developed to predict the effect of missense changes on protein structure and function are either unavailable or do not agree on the potential impact of this missense change. The variant was absent in 250830 control chromosomes. Additionally, another missense variant (p.Arg794Gln) in the same residue has been classified on the pathogenic spectrum in ClinVar, supporting the functional importance of this residue. To our knowledge, no experimental evidence demonstrating an impact on protein function has been reported. ClinVar contains an entry for this variant (Variation ID: 3775570). Based on the evidence outlined above, the variant was classified as likely pathogenic.

3billion
Classification: Uncertain significance for Neurodevelopmental disorder with or without hyperkinetic movements and seizures, autosomal dominant. Last evaluated: 2024-01-26. Review status: criteria provided, single submitter. Criteria: ACMG Guidelines, 2015. Collection method: clinical testing. Allele origin: germline. Affected: yes.
Comment: The variant is not observed in the gnomAD v2.1.1 dataset. Predicted Consequence/Location: Missense changes are a common disease-causing mechanism. Different missense changes at the same codon (p.Arg794Gln, p.Arg794Gly, p.Arg794Pro, p.Arg794Trp) have been reported as pathogenic/likely pathogenic with strong evidence (ClinVar ID: VCV000435376, VCV001481271, VCV001700093, VCV002023315 /PMID: 29365063). Therefore, this variant is classified as VUS according to the recommendation of ACMG/AMP guideline.

Literature cited by the submitters: PubMed 29365063 (cited by 3billion).